The following is an entry in ClinVar:

NM_015160.3(PMPCA):c.751A>G (p.Met251Val)

Genes: PMPCA (peptidase, mitochondrial processing subunit alpha; plus strand), LOC126860792 (CDK7 strongly-dependent group 2 enhancer GRCh37_chr9:139310410-139311609; plus strand). Cytogenetic location: 9q34.3.
Variant type: single nucleotide variant.
Coding change: c.751A>G on transcript NM_015160.3 (MANE Select); coding-DNA position 751, A replaced by G.
Protein change: p.Met251Val; replaces methionine 251 with valine.
Molecular consequence: missense variant.
Genome position (GRCh38, 1-based): chr9:136,417,068, A>G. VCF-style: chr9-136417068-A-G. GRCh37 (hg19) VCF-style: chr9-139311520-A-G.
Other names: c.358A>G, p.Met120Val (NM_001282944.2); c.451A>G, p.Met151Val (NM_001282946.2); short protein forms M151V, M120V, M251V.
Identifiers: ClinVar variation 1380406 (VCV001380406.6), dbSNP rs2131589161, ClinGen allele CA375554365.
Genomic context (GRCh38, chr9:136,417,068, plus strand): 5'-GCAAAGATCAACCGAGAGGTGCTGCATTCCTACCTGAGGAACTACTACACTCCCGACCGC[A>G]TGGTGCTGGCCGGCGTGGGCGTGGAGCACGAGCATCTGGTGGACTGTGCCCGGAAGTACC-3'
Protein context (NP_055975.1, residues 241-261): YLRNYYTPDR[Met251Val]VLAGVGVEHE

ClinVar aggregate classification (germline): Uncertain significance (1 of 4 stars; one submission).

Submission:

Labcorp Genetics (formerly Invitae), Labcorp
Classification: Uncertain significance. Last evaluated: 2021-09-09. Review status: criteria provided, single submitter. Criteria: Invitae Variant Classification Sherloc (09022015). Collection method: clinical testing. Allele origin: germline.
Comment: Algorithms developed to predict the effect of missense changes on protein structure and function (SIFT, PolyPhen-2, Align-GVGD) all suggest that this variant is likely to be tolerated. This sequence change replaces methionine with valine at codon 251 of the PMPCA protein (p.Met251Val). The methionine residue is highly conserved and there is a small physicochemical difference between methionine and valine. This variant is not present in population databases (ExAC no frequency). This variant has not been reported in the literature in individuals affected with PMPCA-related conditions. In summary, the available evidence is currently insufficient to determine the role of this variant in disease. Therefore, it has been classified as a Variant of Uncertain Significance.